The following is an entry in ClinVar:

NM_000069.3(CACNA1S):c.248A>C (p.Asn83Thr)

Gene: CACNA1S (calcium voltage-gated channel subunit alpha1 S; minus strand). Cytogenetic location: 1q32.1.
Variant type: single nucleotide variant.
Coding change: c.248A>C on transcript NM_000069.3 (MANE Select); coding-DNA position 248, A replaced by C.
Protein change: p.Asn83Thr; replaces asparagine 83 with threonine.
Molecular consequence: missense variant.
Genome position (GRCh38, 1-based): chr1:201,110,174, T>G on the plus strand (A>C on the coding strand, the complement: CACNA1S is on the minus strand). VCF-style: chr1-201110174-T-G. GRCh37 (hg19) VCF-style: chr1-201079302-T-G.
Other names: short protein forms N83T.
Identifiers: ClinVar variation 3903108 (VCV003903108.1).

ClinVar aggregate classification (germline): Uncertain significance (1 of 4 stars; one submission).

gnomAD v4.1: 4 of 1,613,922 alleles (0.00025%); highest among the groups gnomAD compares: Non-Finnish European, 0.00034%; no homozygotes.

Submission:

GeneDx
Classification: Uncertain significance. Last evaluated: 2024-12-13. Review status: criteria provided, single submitter. Criteria: GeneDx Variant Classification Process June 2021. Collection method: clinical testing. Allele origin: germline. Affected: yes.
Comment: Not observed at significant frequency in large population cohorts (gnomAD); In silico analysis supports that this missense variant has a deleterious effect on protein structure/function; Has not been previously published as pathogenic or benign to our knowledge